The following is an entry in ClinVar:

NM_001036.6(RYR3):c.10698G>A (p.Thr3566=)

Gene: RYR3 (ryanodine receptor 3; plus strand). Cytogenetic location: 15q14.
Variant type: single nucleotide variant.
Coding change: c.10698G>A on transcript NM_001036.6 (MANE Select); coding-DNA position 10698, G replaced by A.
Protein change: p.Thr3566=; no amino-acid change (threonine 3566 retained).
Molecular consequence: synonymous variant.
Genome position (GRCh38, 1-based): chr15:33,818,676, G>A. VCF-style: chr15-33818676-G-A. GRCh37 (hg19) VCF-style: chr15-34110877-G-A.
Other names: c.10683G>A, p.Thr3561= (NM_001243996.4).
Identifiers: ClinVar variation 531169 (VCV000531169.37), dbSNP rs200309704, ClinGen allele CA7460922.

ClinVar aggregate classification (germline): Conflicting classifications of pathogenicity. Review status: criteria provided, conflicting classifications (1 of 4 stars). 4 submissions from 4 submitters: Uncertain significance (1); Benign (1); Likely benign (1). 1 of the submissions does not count toward it. Last evaluated 2023-11-04.

Conditions:
RYR3-related disorder. Also called: RYR3-related condition.
Epileptic encephalopathy. Identifiers: MedGen C0543888, HP:0200134.

Allele frequency attached by ClinVar (database versions not stated): 1000 Genomes Project 0.00060; 1000 Genomes Project 30x 0.00078; ESP Exome Variant Server 0.00088; gnomAD 0.00157 and 0.00163; TOPMed 0.00170.
gnomAD v4.1: 486 of 1,613,188 alleles (0.03%); highest among the groups gnomAD compares: African/African-American, 0.54%; 2 homozygotes.

Submissions (4):

Labcorp Genetics (formerly Invitae), Labcorp
Classification: Benign for Epileptic encephalopathy. Last evaluated: 2023-11-04. Review status: criteria provided, single submitter. Criteria: Invitae Variant Classification Sherloc (09022015). Collection method: clinical testing. Allele origin: germline.

CeGaT Center for Human Genetics Tuebingen
Classification: Likely benign. Last evaluated: 2022-07-01. Review status: criteria provided, single submitter. Criteria: CeGaT Center For Human Genetics Tuebingen Variant Classification Criteria Version 2. Collection method: clinical testing. Allele origin: germline. Affected: yes. Observed: 1 variant allele.
Comment: RYR3: BP4, BP7

Center for Genomics, Ann and Robert H. Lurie Children's Hospital of Chicago
Classification: Uncertain significance. Last evaluated: 2022-02-03. Review status: criteria provided, single submitter. Criteria: ACMG Guidelines, 2015. Collection method: clinical testing. Allele origin: germline.
Comment: RYR3 NM_001036.3 exon 76 p.Thr3566= (c.10698G>A): This variant has not been reported in the literature but is present in 0.4% (204/41430) of African alleles, including 1 homozygote in the Genome Aggregation Database. This variant is present in ClinVar (Variation ID:531169). Evolutionary conservation and computational predictive tools for this variant are limited or unavailable. Of note, this variant is a silent variant and does not change the amino acid, reducing the probability that this variant is disease causing. In summary, data on this variant is insufficient for disease classification. Therefore, the clinical significance of this variant is uncertain.

PreventionGenetics, part of Exact Sciences
Classification: Likely benign for RYR3-related condition. Last evaluated: 2022-07-20. Review status: no assertion criteria provided. Collection method: clinical testing. Allele origin: germline. Not counted in ClinVar's aggregate classification.
Comment: This variant is classified as likely benign based on ACMG/AMP sequence variant interpretation guidelines (Richards et al. 2015 PMID: 25741868, with internal and published modifications).